The following is an entry in ClinVar:

NM_001144967.3(NEDD4L):c.1455C>T (p.Tyr485=)

Gene: NEDD4L (NEDD4 like E3 ubiquitin protein ligase; plus strand). Cytogenetic location: 18q21.31.
Variant type: single nucleotide variant.
Coding change: c.1455C>T on transcript NM_001144967.3 (MANE Select); coding-DNA position 1455, C replaced by T.
Protein change: p.Tyr485=; no amino-acid change (tyrosine 485 retained).
Molecular consequence: synonymous variant.
Genome position (GRCh38, 1-based): chr18:58,342,983, C>T. VCF-style: chr18-58342983-C-T. GRCh37 (hg19) VCF-style: chr18-56010215-C-T.
Other names: c.1092C>T, p.Tyr364= (NM_001144964.1, NM_001144965.2, NM_001144966.3); c.1431C>T, p.Tyr477= (NM_001144968.2); c.1371C>T, p.Tyr457= (NM_001144969.2); c.1032C>T, p.Tyr344= (NM_001144970.3, NM_001144971.2); c.1263C>T, p.Tyr421= (NM_001243960.2); c.1395C>T, p.Tyr465= (NM_015277.6).
Identifiers: ClinVar variation 1982756 (VCV001982756.5), dbSNP rs2516870215, ClinGen allele CA504016232.
Genomic context (GRCh38, chr18:58,342,983, plus strand): 5'-CGTACGTCGGGCTGTGAAAGACACCCTTTCCAACCCACAGTCCCCACAGCCATCACCTTA[C>T]AACTCCCCCAAACCACAACACAAAGTCACACAGAGCTTCTTGCCACCCGGCTGGGAAATG-3'
Protein context (NP_001138439.1, residues 475-495): SNPQSPQPSP[Tyr485=]NSPKPQHKVT

ClinVar aggregate classification (germline): Conflicting classifications of pathogenicity. Review status: criteria provided, conflicting classifications (1 of 4 stars). 2 submissions from 2 submitters: Uncertain significance (1); Likely benign (1). Last evaluated 2024-09-09.

Submissions (2):

Labcorp Genetics (formerly Invitae), Labcorp
Classification: Likely benign. Last evaluated: 2024-09-09. Review status: criteria provided, single submitter. Criteria: Invitae Variant Classification Sherloc (09022015). Collection method: clinical testing. Allele origin: germline.

Greenwood Genetic Center Diagnostic Laboratories, Greenwood Genetic Center
Classification: Uncertain significance. Last evaluated: 2024-01-05. Review status: criteria provided, single submitter. Criteria: ACMG Guidelines, 2015. Collection method: clinical testing. Allele origin: germline. Affected: yes.
Comment: PM2